The following is an entry in ClinVar:

ClinVar aggregate classification (germline): Likely benign (0 of 4 stars; one submission).

Conditions:
KDM1A-related disorder. Also called: KDM1A-related condition.

Allele frequency attached by ClinVar (database versions not stated): gnomAD exomes below 0.00001.
gnomAD v4.1: 1 of 1,550,714 alleles (0.000064%); highest among the groups gnomAD compares: Admixed American, 0.0022%; no homozygotes.

Submission:

PreventionGenetics, part of Exact Sciences
Classification: Likely benign for KDM1A-related condition. Last evaluated: 2024-01-25. Review status: no assertion criteria provided. Collection method: clinical testing. Allele origin: germline.
Comment: This variant is classified as likely benign based on ACMG/AMP sequence variant interpretation guidelines (Richards et al. 2015 PMID: 25741868, with internal and published modifications).

NM_001009999.3(KDM1A):c.352-6A>G

Gene: KDM1A (lysine demethylase 1A; plus strand). Cytogenetic location: 1p36.12.
Variant type: single nucleotide variant.
Coding change: c.352-6A>G on transcript NM_001009999.3 (MANE Select); 6 bases into the intron before coding-DNA position 352, A replaced by G.
Molecular consequence: intron variant.
Genome position (GRCh38, 1-based): chr1:23,030,463, A>G. VCF-style: chr1-23030463-A-G. GRCh37 (hg19) VCF-style: chr1-23356956-A-G.
Other names: c.352-6A>G (NM_001410762.1, NM_001363654.2, NM_001410763.1 and 1 more transcripts).
Identifiers: ClinVar variation 3047713 (VCV003047713.2), dbSNP rs1295149593, ClinGen allele CA521902367.